The following is an entry in ClinVar:

NM_021098.3(CACNA1H):c.6548G>C (p.Arg2183Thr)

Gene: CACNA1H (calcium voltage-gated channel subunit alpha1 H; plus strand). Cytogenetic location: 16p13.3.
Variant type: single nucleotide variant.
Coding change: c.6548G>C on transcript NM_021098.3 (MANE Select); coding-DNA position 6548, G replaced by C.
Protein change: p.Arg2183Thr; replaces arginine 2183 with threonine.
Molecular consequence: missense variant.
Genome position (GRCh38, 1-based): chr16:1,220,480, G>C. VCF-style: chr16-1220480-G-C. GRCh37 (hg19) VCF-style: chr16-1270480-G-C.
Other names: c.6530G>C, p.Arg2177Thr (NM_001005407.2); short protein forms R2183T, R2177T.
Identifiers: ClinVar variation 4783344 (VCV004783344.1).

ClinVar aggregate classification (germline): Uncertain significance (1 of 4 stars; one submission).

Conditions:
Idiopathic generalized epilepsy. Also called: EIG; Generalised epilepsy. Identifiers: MedGen C0270850, MONDO:0005579, OMIM 600669.
Hyperaldosteronism, familial, type IV (HALD4). Also called: FH IV; ALDOSTERONISM, PRIMARY, AND HYPERTENSION. Identifiers: Orphanet 642671, MedGen C4310756, MONDO:0014875, OMIM 617027.

gnomAD v4.1: 1 of 1,546,164 alleles (0.000065%); highest among the groups gnomAD compares: Non-Finnish European, 0.000087%; no homozygotes.

Submission:

Labcorp Genetics (formerly Invitae), Labcorp
Classification: Uncertain significance for Idiopathic generalized epilepsy; Hyperaldosteronism, familial, type IV. Last evaluated: 2025-07-01. Review status: criteria provided, single submitter. Criteria: Invitae Variant Classification Sherloc (09022015). Collection method: clinical testing. Allele origin: germline.
Comment: This sequence change replaces arginine, which is basic and polar, with threonine, which is neutral and polar, at codon 2183 of the CACNA1H protein (p.Arg2183Thr). This variant is not present in population databases (gnomAD no frequency). This variant has not been reported in the literature in individuals affected with CACNA1H-related conditions. Invitae Evidence Modeling of protein sequence and biophysical properties (such as structural, functional, and spatial information, amino acid conservation, physicochemical variation, residue mobility, and thermodynamic stability) indicates that this missense variant is not expected to disrupt CACNA1H protein function with a negative predictive value of 80%. In summary, the available evidence is currently insufficient to determine the role of this variant in disease. Therefore, it has been classified as a Variant of Uncertain Significance.